The following is an entry in ClinVar:

NM_020779.4(WDR35):c.1648A>G (p.Ile550Val)

Gene: WDR35 (WD repeat domain 35; minus strand). Cytogenetic location: 2p24.1.
Variant type: single nucleotide variant.
Coding change: c.1648A>G on transcript NM_020779.4 (MANE Select); coding-DNA position 1648, A replaced by G.
Protein change: p.Ile550Val; replaces isoleucine 550 with valine.
Molecular consequence: missense variant.
Genome position (GRCh38, 1-based): chr2:19,945,983, T>C on the plus strand (A>G on the coding strand, the complement: WDR35 is on the minus strand). VCF-style: chr2-19945983-T-C. GRCh37 (hg19) VCF-style: chr2-20145744-T-C.
Other names: c.1681A>G, p.Ile561Val (NM_001006657.2); short protein forms I561V, I550V.
Identifiers: ClinVar variation 4791504 (VCV004791504.1).

ClinVar aggregate classification (germline): Uncertain significance (1 of 4 stars; one submission).

Conditions:
Short-rib thoracic dysplasia 7 with or without polydactyly (SRTD7). Also called: Short rib polydactyly syndrome 5; SHORT-RIB THORACIC DYSPLASIA 7 WITH POLYDACTYLY. Identifiers: Orphanet 498497, Orphanet 93271, MedGen C3279792, MONDO:0013569, OMIM 614091.
Cranioectodermal dysplasia 2 (CED2). Identifiers: Orphanet 1515, MedGen C3150874, MONDO:0013323, OMIM 613610.

Submission:

Labcorp Genetics (formerly Invitae), Labcorp
Classification: Uncertain significance for Cranioectodermal dysplasia 2; Short-rib thoracic dysplasia 7 with or without polydactyly. Last evaluated: 2025-10-08. Review status: criteria provided, single submitter. Criteria: Invitae Variant Classification Sherloc (09022015). Collection method: clinical testing. Allele origin: germline.
Comment: This sequence change replaces isoleucine, which is neutral and non-polar, with valine, which is neutral and non-polar, at codon 561 of the WDR35 protein (p.Ile561Val). This variant is not present in population databases (gnomAD no frequency). This variant has not been reported in the literature in individuals affected with WDR35-related conditions. Invitae Evidence Modeling of protein sequence and biophysical properties (such as structural, functional, and spatial information, amino acid conservation, physicochemical variation, residue mobility, and thermodynamic stability) indicates that this missense variant is not expected to disrupt WDR35 protein function with a negative predictive value of 95%. In summary, the available evidence is currently insufficient to determine the role of this variant in disease. Therefore, it has been classified as a Variant of Uncertain Significance.